The following is an entry in ClinVar:

ClinVar aggregate classification (germline): Uncertain significance. Review status: criteria provided, multiple submitters, no conflicts (2 of 4 stars). 3 submissions from 3 submitters: Uncertain significance (3). Last evaluated 2025-11-26.

Conditions:
DICER1-related tumor predisposition. Also called: DICER1-related pleuropulmonary blastoma cancer predisposition syndrome; DICER1 syndrome. Identifiers: Orphanet 284343, MedGen C3839822, MONDO:0100216.
Hereditary cancer-predisposing syndrome. Also called: Neoplastic Syndromes, Hereditary; Tumor predisposition; Hereditary neoplastic syndrome; Hereditary Cancer Syndrome. Identifiers: Orphanet 140162, MedGen C0027672, MeSH D009386, MONDO:0015356.

Allele frequency attached by ClinVar (database versions not stated): gnomAD exomes below 0.00001; TOPMed below 0.00001; gnomAD 0.00001.
gnomAD v4.1: 2 of 1,614,084 alleles (0.00012%); highest among the groups gnomAD compares: Non-Finnish European, 0.00017%; no homozygotes.

Submissions (3):

Labcorp Genetics (formerly Invitae), Labcorp
Classification: Uncertain significance for DICER1-related tumor predisposition. Last evaluated: 2025-11-26. Review status: criteria provided, single submitter. Criteria: Invitae Variant Classification Sherloc (09022015). Collection method: clinical testing. Allele origin: germline.
Comment: This sequence change replaces asparagine, which is neutral and polar, with serine, which is neutral and polar, at codon 977 of the DICER1 protein (p.Asn977Ser). This variant is not present in population databases (gnomAD no frequency). This variant has not been reported in the literature in individuals affected with DICER1-related conditions. ClinVar contains an entry for this variant (Variation ID: 1797809). Invitae Evidence Modeling of protein sequence and biophysical properties (such as structural, functional, and spatial information, amino acid conservation, physicochemical variation, residue mobility, and thermodynamic stability) indicates that this missense variant is not expected to disrupt DICER1 protein function with a negative predictive value of 95%. In summary, the available evidence is currently insufficient to determine the role of this variant in disease. Therefore, it has been classified as a Variant of Uncertain Significance.

Quest Diagnostics Nichols Institute San Juan Capistrano
Classification: Uncertain significance. Last evaluated: 2024-04-04. Review status: criteria provided, single submitter. Criteria: Quest Diagnostics criteria. Collection method: clinical testing. Allele origin: unknown.
Comment: The DICER1 c.2930A>G (p.Asn977Ser) variant has not been reported in individuals with DICER1-related conditions in the published literature. The frequency of this variant in the general population, 0.0000066 (1/152202 chromosomes (Genome Aggregation Database)), is uninformative in the assessment of its pathogenicity. Analysis of this variant using bioinformatics tools for the prediction of the effect of amino acid changes on protein structure and function yielded predictions that this variant is benign. Based on the available information, we are unable to determine the clinical significance of this variant.

Ambry Genetics
Classification: Uncertain significance for Hereditary cancer-predisposing syndrome. Last evaluated: 2023-06-06. Review status: criteria provided, single submitter. Criteria: Ambry Variant Classification Scheme 2023. Collection method: clinical testing. Allele origin: germline.
Comment: The p.N977S variant (also known as c.2930A>G), located in coding exon 17 of the DICER1 gene, results from an A to G substitution at nucleotide position 2930. The asparagine at codon 977 is replaced by serine, an amino acid with highly similar properties. This amino acid position is highly conserved in available vertebrate species. In addition, this alteration is predicted to be tolerated by in silico analysis. Since supporting evidence is limited at this time, the clinical significance of this alteration remains unclear.

NM_177438.3(DICER1):c.2930A>G (p.Asn977Ser)

Gene: DICER1 (dicer 1, ribonuclease III; minus strand). Cytogenetic location: 14q32.13.
Variant type: single nucleotide variant.
Coding change: c.2930A>G on transcript NM_177438.3 (MANE Select); coding-DNA position 2930, A replaced by G.
Protein change: p.Asn977Ser; replaces asparagine 977 with serine.
Molecular consequence: missense variant. On other transcripts: non-coding transcript variant (6).
Genome position (GRCh38, 1-based): chr14:95,106,098, T>C on the plus strand (A>G on the coding strand, the complement: DICER1 is on the minus strand). VCF-style: chr14-95106098-T-C. GRCh37 (hg19) VCF-style: chr14-95572435-T-C.
Other names: c.2930A>G, p.Asn977Ser (NM_001195573.1, NM_001271282.3, NM_001291628.2 and 13 more transcripts); c.2648A>G, p.Asn883Ser (NM_001395686.1); c.2525A>G, p.Asn842Ser (NM_001395687.1, NM_001395688.1, NM_001395689.1 and 2 more transcripts); c.2363A>G, p.Asn788Ser (NM_001395691.1); c.1247A>G, p.Asn416Ser (NM_001395697.1); short protein forms N788S, N416S, N883S, N977S, N842S.
Identifiers: ClinVar variation 1797809 (VCV001797809.6), dbSNP rs1227283210, ClinGen allele CA390878923.